The following is an entry in ClinVar:

ClinVar aggregate classification (germline): Uncertain significance (1 of 4 stars; one submission).

Conditions:
Mosaic variegated aneuploidy syndrome 1 (MVA1). Also called: Warburton-Anyane-Yeboa syndrome. Identifiers: Orphanet 1052, MedGen C1850343, MONDO:0009759, OMIM 257300.

Submission:

Labcorp Genetics (formerly Invitae), Labcorp
Classification: Uncertain significance for Mosaic variegated aneuploidy syndrome 1. Last evaluated: 2024-06-12. Review status: criteria provided, single submitter. Criteria: Invitae Variant Classification Sherloc (09022015). Collection method: clinical testing. Allele origin: germline.
Comment: This sequence change replaces leucine, which is neutral and non-polar, with proline, which is neutral and non-polar, at codon 936 of the BUB1B protein (p.Leu936Pro). This variant is not present in population databases (gnomAD no frequency). This variant has not been reported in the literature in individuals affected with BUB1B-related conditions. ClinVar contains an entry for this variant (Variation ID: 1356380). An algorithm developed to predict the effect of missense changes on protein structure and function (PolyPhen-2) suggests that this variant is likely to be tolerated. In summary, the available evidence is currently insufficient to determine the role of this variant in disease. Therefore, it has been classified as a Variant of Uncertain Significance.

NM_001211.6(BUB1B):c.2807T>C (p.Leu936Pro)

Genes: BUB1B (BUB1 mitotic checkpoint serine/threonine kinase B; plus strand), BUB1B-PAK6 (BUB1B-PAK6 readthrough; plus strand). Cytogenetic location: 15q15.1.
Variant type: single nucleotide variant.
Coding change: c.2807T>C on transcript NM_001211.6 (MANE Select); coding-DNA position 2807, T replaced by C.
Protein change: p.Leu936Pro; replaces leucine 936 with proline.
Molecular consequence: missense variant. On other transcripts: 5 prime UTR variant (2).
Genome position (GRCh38, 1-based): chr15:40,217,624, T>C. VCF-style: chr15-40217624-T-C. GRCh37 (hg19) VCF-style: chr15-40509825-T-C.
Other names: c.-244T>C (NM_001128628.3); c.-161T>C (NM_001128629.3); short protein forms L936P.
Identifiers: ClinVar variation 1356380 (VCV001356380.6), dbSNP rs964545269, ClinGen allele CA268761059.
Genomic context (GRCh38, chr15:40,217,624, plus strand): 5'-TTGACCTTAGGGTGCAGCTGGATGTTTTTACCCTCAGCGGCTTTCGGACTGTACAGATCC[T>C]GGAAGGACAAAAGATCCTGGCTAACTGTTCTTCTCCCTACCAGGTAAGTGTAAAACAAGC-3'
Protein context (NP_001202.5, residues 926-946): TLSGFRTVQI[Leu936Pro]EGQKILANCS